The following is an entry in ClinVar:

ClinVar aggregate classification (germline): Benign. Review status: criteria provided, single submitter (1 of 4 stars). 3 submissions from 3 submitters: Benign (1). 2 of the submissions do not count toward it.

Conditions:
POLQ-related disorder. Also called: POLQ-related condition.

Allele frequency attached by ClinVar (database versions not stated): ESP Exome Variant Server 0.00154; gnomAD 0.00216 and 0.00222; 1000 Genomes Project 0.00220; 1000 Genomes Project 30x 0.00250; ExAC 0.00257; TOPMed 0.00298; gnomAD exomes 0.00348.
gnomAD v4.1: 2,839 of 1,613,488 alleles (0.18%); highest among the groups gnomAD compares: Admixed American, 1.7%; 18 homozygotes.

Submissions (3):

Breakthrough Genomics
Classification: Benign. Review status: criteria provided, single submitter. Criteria: ACMG Guidelines, 2015. Collection method: not provided. Allele origin: germline. Inheritance: Unknown mechanism. Affected: yes.

PreventionGenetics, part of Exact Sciences
Classification: Benign for POLQ-related condition. Last evaluated: 2019-02-19. Review status: no assertion criteria provided. Collection method: clinical testing. Allele origin: germline. Not counted in ClinVar's aggregate classification.
Comment: This variant is classified as benign based on ACMG/AMP sequence variant interpretation guidelines (Richards et al. 2015 PMID: 25741868, with internal and published modifications).

Department of Pathology and Laboratory Medicine, Sinai Health System
Classification: Benign. Review status: no assertion criteria provided. Collection method: clinical testing. Allele origin: unknown. Affected: yes. Study: The Canadian Open Genetics Repository (COGR). Not counted in ClinVar's aggregate classification.
Comment: The POLQ p.K91N variant was not identified in the literature nor was it identified in ClinVar, Cosmic, or LOVD 3.0. The variant was identified in dbSNP (ID: rs61757738) and in control databases in 925 of 282804 chromosomes (9 homozygous) at a frequency of 0.003271 increasing the likelihood this could be a low frequency benign variant (Genome Aggregation Database March 6, 2019, v2.1.1). The variant was observed in the following populations: Latino in 656 of 35410 chromosomes (freq: 0.01853), Other in 24 of 7224 chromosomes (freq: 0.003322), South Asian in 51 of 30612 chromosomes (freq: 0.001666), European (non-Finnish) in 166 of 129154 chromosomes (freq: 0.001285), African in 25 of 24966 chromosomes (freq: 0.001001), East Asian in 2 of 19948 chromosomes (freq: 0.0001) and European (Finnish) in 1 of 25120 chromosomes (freq: 0.00004), but was not observed in the Ashkenazi Jewish population. The p.Lys91 residue is not conserved in mammals and four out of five computational analyses (PolyPhen-2, SIFT, AlignGVGD, BLOSUM, MutationTaster) do not suggest a high likelihood of impact to the protein; however, this information is not predictive enough to rule out pathogenicity. The variant occurs outside of the splicing consensus sequence and three of four in silico or computational prediction software programs (SpliceSiteFinder, MaxEntScan, NNSPLICE, GeneSplicer) do not predict a difference in splicing. In summary, based on the above information this variant meets our laboratoryâ€šÃ„Ã´s criteria to be classified as benign.

NM_199420.4(POLQ):c.273G>T (p.Lys91Asn)

Gene: POLQ (DNA polymerase theta; minus strand). Cytogenetic location: 3q13.33.
Variant type: single nucleotide variant.
Coding change: c.273G>T on transcript NM_199420.4 (MANE Select); coding-DNA position 273, G replaced by T.
Protein change: p.Lys91Asn; replaces lysine 91 with asparagine.
Molecular consequence: missense variant.
Genome position (GRCh38, 1-based): chr3:121,544,797, C>A on the plus strand (G>T on the coding strand, the complement: POLQ is on the minus strand). VCF-style: chr3-121544797-C-A. GRCh37 (hg19) VCF-style: chr3-121263644-C-A.
Other names: c.273G>T (NM_199420.3); short protein forms K91N.
Identifiers: ClinVar variation 1050718 (VCV001050718.4), dbSNP rs61757738, ClinGen allele CA2563871.